The following is an entry in ClinVar:

ClinVar aggregate classification (germline): Uncertain significance (1 of 4 stars; one submission).

Conditions:
Fibrous dysplasia of jaw (CRBM). Also called: Cherubism. Identifiers: Orphanet 184, MedGen C0008029, MONDO:0007315, OMIM 118400.

gnomAD v4.1: 5 of 1,612,966 alleles (0.00031%); highest among the groups gnomAD compares: Non-Finnish European, 0.00042%; no homozygotes.

Submission:

Labcorp Genetics (formerly Invitae), Labcorp
Classification: Uncertain significance for Fibrous dysplasia of jaw. Last evaluated: 2024-09-26. Review status: criteria provided, single submitter. Criteria: Invitae Variant Classification Sherloc (09022015). Collection method: clinical testing. Allele origin: germline.
Comment: This sequence change replaces alanine, which is neutral and non-polar, with valine, which is neutral and non-polar, at codon 372 of the SH3BP2 protein (p.Ala372Val). This variant is not present in population databases (gnomAD no frequency). This variant has not been reported in the literature in individuals affected with SH3BP2-related conditions. Invitae Evidence Modeling of protein sequence and biophysical properties (such as structural, functional, and spatial information, amino acid conservation, physicochemical variation, residue mobility, and thermodynamic stability) indicates that this missense variant is not expected to disrupt SH3BP2 protein function with a negative predictive value of 80%. In summary, the available evidence is currently insufficient to determine the role of this variant in disease. Therefore, it has been classified as a Variant of Uncertain Significance.

NM_001122681.2(SH3BP2):c.1115C>T (p.Ala372Val)

Gene: SH3BP2 (SH3 domain binding protein 2; plus strand). Cytogenetic location: 4p16.3.
Variant type: single nucleotide variant.
Coding change: c.1115C>T on transcript NM_001122681.2 (MANE Select); coding-DNA position 1115, C replaced by T.
Protein change: p.Ala372Val; replaces alanine 372 with valine.
Molecular consequence: missense variant.
Genome position (GRCh38, 1-based): chr4:2,830,021, C>T. VCF-style: chr4-2830021-C-T. GRCh37 (hg19) VCF-style: chr4-2831748-C-T.
Other names: c.1199C>T, p.Ala400Val (NM_001145855.2); c.1286C>T, p.Ala429Val (NM_001145856.2); c.1115C>T, p.Ala372Val (NM_003023.4); short protein forms A372V, A400V, A429V.
Identifiers: ClinVar variation 3664780 (VCV003664780.2).